The following is an entry in ClinVar:

NM_002024.6(FMR1):c.66T>A (p.Asp22Glu)

Gene: FMR1 (fragile X messenger ribonucleoprotein 1; plus strand). Cytogenetic location: Xq27.3.
Variant type: single nucleotide variant.
Coding change: c.66T>A on transcript NM_002024.6 (MANE Select); coding-DNA position 66, T replaced by A.
Protein change: p.Asp22Glu; replaces aspartic acid 22 with glutamic acid.
Molecular consequence: missense variant. On other transcripts: non-coding transcript variant (2).
Genome position (GRCh38, 1-based): chrX:147,921,947, T>A. VCF-style: chrX-147921947-T-A. GRCh37 (hg19) VCF-style: chrX-147003465-T-A.
Other names: c.66T>A, p.Asp22Glu (NM_001185075.2, NM_001185076.2, NM_001185081.2 and 1 more transcripts); short protein forms D22E.
Identifiers: ClinVar variation 1723506 (VCV001723506.2), dbSNP rs2521189826, ClinGen allele CA414434420.
Genomic context (GRCh38, chrX:147,921,947, plus strand): 5'-ACTATCTTTAAGCTCACAAGTTAATTTAACGTTTTTTCTTACACAGGCATTTGTAAAGGA[T>A]GTTCATGAAGATTCAATAACAGTTGCATTTGAAAACAAGTAAGTGTCTCGTTATATAATT-3'
Protein context (NP_002015.1, residues 12-32): NGAFYKAFVK[Asp22Glu]VHEDSITVAF

ClinVar aggregate classification (germline): Uncertain significance (1 of 4 stars; one submission).

Submission:

GeneDx
Classification: Uncertain significance. Last evaluated: 2022-05-11. Review status: criteria provided, single submitter. Criteria: GeneDx Variant Classification Process June 2021. Collection method: clinical testing. Allele origin: germline. Affected: yes.
Comment: Not observed at significant frequency in large population cohorts (gnomAD); In silico analysis supports that this missense variant has a deleterious effect on protein structure/function; Has not been previously published as pathogenic or benign to our knowledge